The following is an entry in ClinVar:

NM_004168.4(SDHA):c.1908+9G>A

Gene: SDHA (succinate dehydrogenase complex flavoprotein subunit A; plus strand). Cytogenetic location: 5p15.33.
Variant type: single nucleotide variant.
Coding change: c.1908+9G>A on transcript NM_004168.4 (MANE Select); 9 bases into the intron after coding-DNA position 1908, G replaced by A.
Molecular consequence: intron variant.
Genome position (GRCh38, 1-based): chr5:254,515, G>A. VCF-style: chr5-254515-G-A. GRCh37 (hg19) VCF-style: chr5-254630-G-A.
Other names: c.1665+9G>A (NM_001330758.2); c.1764+9G>A (NM_001294332.2).
Identifiers: ClinVar variation 472371 (VCV000472371.16), dbSNP rs767578208, ClinGen allele CA3173442.

ClinVar aggregate classification (germline): Likely benign. Review status: criteria provided, multiple submitters, no conflicts (2 of 4 stars). 4 submissions from 4 submitters: Likely benign (3). 1 of the submissions does not count toward it. Last evaluated 2025-03-11.

Conditions:
Pheochromocytoma/paraganglioma syndrome 5. Also called: Paragangliomas 5; SDHA-Related Hereditary Paraganglioma-Pheochromocytoma Syndrome. Identifiers: Orphanet 29072, MedGen C3279992, MONDO:0013602, OMIM 614165.
Mitochondrial complex II deficiency, nuclear type 1. Also called: SUCCINATE CoQ REDUCTASE DEFICIENCY. Identifiers: Orphanet 3208, MedGen C5700310, MONDO:0100294, OMIM 252011.
SDHA-related disorder. Also called: SDHA-related disorders; SDHA-related condition.

Allele frequency attached by ClinVar (database versions not stated): gnomAD below 0.00001; gnomAD exomes 0.00002 and 0.00007; ExAC 0.00009.

Submissions (4):

Myriad Genetics, Inc.
Classification: Likely benign for Pheochromocytoma/paraganglioma syndrome 5. Last evaluated: 2025-03-11. Review status: criteria provided, single submitter. Criteria: Myriad Autosomal Dominant, Autosomal Recessive and X-Linked Classification Criteria (2023). Collection method: clinical testing. Allele origin: unknown.
Comment: This variant is considered likely benign. This variant is intronic and is not expected to impact mRNA splicing.

Blueprint Genetics
Classification: Likely benign. Last evaluated: 2024-09-24. Review status: criteria provided, single submitter. Criteria: ACMG Guidelines, 2015. Collection method: clinical testing. Allele origin: germline.

Labcorp Genetics (formerly Invitae), Labcorp
Classification: Likely benign for Pheochromocytoma/paraganglioma syndrome 5; Mitochondrial complex II deficiency, nuclear type 1. Last evaluated: 2023-08-10. Review status: criteria provided, single submitter. Criteria: Invitae Variant Classification Sherloc (09022015). Collection method: clinical testing. Allele origin: germline.

PreventionGenetics, part of Exact Sciences
Classification: Likely benign for SDHA-related condition. Last evaluated: 2022-09-02. Review status: no assertion criteria provided. Collection method: clinical testing. Allele origin: germline. Not counted in ClinVar's aggregate classification.
Comment: This variant is classified as likely benign based on ACMG/AMP sequence variant interpretation guidelines (Richards et al. 2015 PMID: 25741868, with internal and published modifications).